The following is an entry in ClinVar:

ClinVar aggregate classification (germline): Uncertain significance. Review status: criteria provided, multiple submitters, no conflicts (2 of 4 stars). 2 submissions from 2 submitters: Uncertain significance (2). Last evaluated 2025-08-04.

Conditions:
Inborn genetic diseases. Identifiers: MedGen C0950123, MeSH D030342.
Combined immunodeficiency due to ZAP70 deficiency (IMD48). Also called: Immunodeficiency 48; ZAP70 Deficiency. Identifiers: Orphanet 911, MedGen C2931299, MONDO:0010023, OMIM 269840.

Allele frequency attached by ClinVar (database versions not stated): TOPMed below 0.00001; gnomAD 0.00001.

Submissions (2):

Ambry Genetics
Classification: Uncertain significance for Inborn genetic diseases. Last evaluated: 2025-08-04. Review status: criteria provided, single submitter. Criteria: Ambry Variant Classification Scheme 2023. Collection method: clinical testing. Allele origin: germline.

Labcorp Genetics (formerly Invitae), Labcorp
Classification: Uncertain significance for Combined immunodeficiency due to ZAP70 deficiency. Last evaluated: 2019-10-30. Review status: criteria provided, single submitter. Criteria: Invitae Variant Classification Sherloc (09022015). Collection method: clinical testing. Allele origin: germline.
Comment: In summary, the available evidence is currently insufficient to determine the role of this variant in disease. Therefore, it has been classified as a Variant of Uncertain Significance. Algorithms developed to predict the effect of missense changes on protein structure and function (SIFT, PolyPhen-2, Align-GVGD) all suggest that this variant is likely to be tolerated, but these predictions have not been confirmed by published functional studies and their clinical significance is uncertain. This variant has not been reported in the literature in individuals with ZAP70-related conditions. This variant is not present in population databases (ExAC no frequency). This sequence change replaces aspartic acid with asparagine at codon 574 of the ZAP70 protein (p.Asp574Asn). The aspartic acid residue is moderately conserved and there is a small physicochemical difference between aspartic acid and asparagine.

NM_001079.4(ZAP70):c.1720G>A (p.Asp574Asn)

Gene: ZAP70 (zeta chain of T cell receptor associated protein kinase 70; plus strand). Cytogenetic location: 2q11.2.
Variant type: single nucleotide variant.
Coding change: c.1720G>A on transcript NM_001079.4 (MANE Select); coding-DNA position 1720, G replaced by A.
Protein change: p.Asp574Asn; replaces aspartic acid 574 with asparagine.
Molecular consequence: missense variant.
Genome position (GRCh38, 1-based): chr2:97,738,091, G>A. VCF-style: chr2-97738091-G-A. GRCh37 (hg19) VCF-style: chr2-98354554-G-A.
Other names: c.1720G>A, p.Asp574Asn (NM_001378594.1); c.799G>A, p.Asp267Asn (NM_207519.2); short protein forms D574N, D267N.
Identifiers: ClinVar variation 959149 (VCV000959149.9), dbSNP rs1677984875, ClinGen allele CA347805583.